The following is an entry in ClinVar:

ClinVar aggregate classification (germline): Pathogenic (1 of 4 stars; one submission).

Conditions:
Neurofibromatosis, type 1 (NF1). Also called: NEUROFIBROMATOSIS, TYPE I, SOMATIC; VON RECKLINGHAUSEN DISEASE; Peripheral type neurofibromatosis; Neurofibromatosis, type I. Identifiers: Orphanet 636, MedGen C0027831, MONDO:0018975, OMIM 162200. Disease mechanism: loss of function.

Submission:

Labcorp Genetics (formerly Invitae), Labcorp
Classification: Pathogenic for Neurofibromatosis, type 1. Last evaluated: 2021-12-28. Review status: criteria provided, single submitter. Criteria: Invitae Variant Classification Sherloc (09022015). Collection method: clinical testing. Allele origin: germline.
Comment: For these reasons, this variant has been classified as Pathogenic. Retrotransposon insertions including LINE1 (L1), Alu, and SVA (SINE-VNTR-Alu) have been reported to be disease-causing through disruption of either a coding region or splice site (PMID: 19763152, 20307669, 22406018) and loss-of-function variants in NF1 are known to be pathogenic (PMID: 10712197, 23913538). Algorithms developed to predict the effect of sequence changes on RNA splicing suggest that this variant may create or strengthen a splice site. This variant has not been reported in the literature in individuals affected with NF1-related conditions. This variant is not present in population databases (gnomAD no frequency). This sequence change inserts a large fragment of DNA, likely a transposable element, in exon 25 of the NF1 gene (c.3312_3313ins?), causing a frameshift at codon 1105 (p.Lys1105fs). The exact size and sequence of the insertion cannot be determined by the current assay. However, the insertion is expected to result in an absent or disrupted protein product.

Literature cited by the submitters: PubMed 19763152; PubMed 20307669; PubMed 22406018; PubMed 10712197; PubMed 23913538.

NM_001042492.3(NF1):c.3312_3313insTTTTTTTTTTTTTTTTTTTTNNNNNNNNNNACCTCGTGATCCGCCCGCCTCGGCCTCCCAAAGTGCTGGGATTACAGGCGTGAGCCACCGCGCCCGGCCACAGTTATTTCTT (p.Lys1105delinsPhePhePhePhePhePheXaaXaaXaaXaaThrSerTer)

Gene: NF1 (neurofibromin 1; plus strand). Cytogenetic location: 17q11.2.
Variant type: Microsatellite.
Coding change: c.3312_3313insTTTTTTTTTTTTTTTTTTTTNNNNNNNNNNACCTCGTGATCCGCCCGCCTCGGCCTCCCAAAGTGCTGGGATTACAGGCGTGAGCCACCGCGCCCGGCCACAGTTATTTCTT on transcript NM_001042492.3 (MANE Select); coding-DNA positions 3312 to 3313, TTTTTTTTTTTTTTTTTTTTNNNNNNNNNNACCTCGTGATCCGCCCGCCTCGGCCTCCCAAAGTGCTGGGATTACAGGCGTGAGCCACCGCGCCCGGCCACAGTTATTTCTT inserted.
Protein change: p.Lys1105delinsPhePhePhePhePhePheXaaXaaXaaXaaThrSerTer.
Molecular consequence: nonsense. On other transcripts: frameshift variant (1).
Genome position: GRCh38: chr17:31,232,174-31,232,187. GRCh37 (hg19): chr17:29,559,192-29,559,205.
Other names: c.3299_3312CA[2][1], p.Leu1102Asnfs (NM_000267.4).
Identifiers: ClinVar variation 2063701 (VCV002063701.4).